The following is an entry in ClinVar:

ClinVar aggregate classification (germline): Likely pathogenic. Review status: criteria provided, single submitter (1 of 4 stars). 2 submissions from 1 submitter: Likely pathogenic (2). Last evaluated 2026-07-14.

Conditions:
Arterial calcification, generalized, of infancy, 1 (GACI1). Also called: Idiopathic Infantile Arterial Calcification. Identifiers: Orphanet 51608, MedGen C4551985, MONDO:0008817, OMIM 208000.
Hypophosphatemic rickets, autosomal recessive, 2 (ARHR2). Identifiers: Orphanet 289176, MedGen C2750078, MONDO:0013219, OMIM 613312.

Submissions (2):

Department of Molecular Genetics, Istishari Arab Hospital
Classification: Likely pathogenic for Hypophosphatemic rickets, autosomal recessive, 2. Last evaluated: 2026-07-14. Review status: criteria provided, single submitter. Criteria: ACMG Guidelines, 2015. Collection method: clinical testing. Allele origin: germline. Inheritance: Autosomal recessive inheritance. Affected: yes.
Comment: The ENPP1 variant c.734del, p.Thr245Ilefs*4 creates a shift in the reading frame starting at codon 245 in exon 7 (out of 25 exons). The new reading frame ends in a stop codon 4 positions downstream. The variant is not observed in the gnomAD v4.1.0 dataset, and to the best of our knowledge, it was not previously reported in the literature. It is classified as likely pathogenic according to the recommendations of ACMG/AMP/ClinGen SVI guidelines.

Department of Molecular Genetics, Istishari Arab Hospital
Classification: Likely pathogenic for Arterial calcification, generalized, of infancy, 1. Last evaluated: 2026-04-09. Review status: criteria provided, single submitter. Criteria: ACMG Guidelines, 2015. Collection method: clinical testing. Allele origin: germline. Inheritance: Autosomal recessive inheritance. Affected: yes.
Comment: The ENPP1 variant c.734del, p.Thr245Ilefs*4 creates a shift in the reading frame starting at codon 245 in exon 7 (out of 25 exons). The new reading frame ends in a stop codon 4 positions downstream. The variant is not observed in the gnomAD v4.1.0 dataset, and to the best of our knowledge, it was not previously reported in the literature. It is classified as likely pathogenic according to the recommendations of ACMG/AMP/ClinGen SVI guidelines

NM_006208.3(ENPP1):c.734del (p.Thr245fs)

Gene: ENPP1 (ectonucleotide pyrophosphatase/phosphodiesterase 1; plus strand). Cytogenetic location: 6q23.2.
Variant type: Deletion.
Coding change: c.734del on transcript NM_006208.3 (MANE Select); coding-DNA position 734, one base deleted (C; older notation c.734delC).
Protein change: p.Thr245fs; shifts the reading frame from threonine 245.
Molecular consequence: frameshift variant.
Genome position (GRCh38, 1-based): chr6:131,858,686, C deleted. VCF-style (leftmost placement, unchanged base first): chr6-131858685-AC-A. GRCh37 (hg19) VCF-style: chr6-132179825-AC-A.
Other names: p.Thr245Ilefs*4; short protein forms T245fs.
Identifiers: ClinVar variation 4819673 (VCV004819673.2).
Genomic context (GRCh38, chr6:131,858,685, plus strand): 5'-GTCAGATGTATTTAATAACAATGTTTATTTTTTTCCCTTCTAGAAAAATGTGGAACATAT[AC>A]TAAAAACATGAGACCGGTATATCCAACAAAAACTTTCCCCAATCACTACAGCATTGTCAC-3'